The following is an entry in ClinVar:

NM_012064.4(MIP):c.*407A>G

Gene: MIP (major intrinsic protein of lens fiber; minus strand). Cytogenetic location: 12q13.3.
Variant type: single nucleotide variant.
Coding change: c.*407A>G on transcript NM_012064.4 (MANE Select); 407 bases downstream of the stop codon, A replaced by G.
Molecular consequence: 3 prime UTR variant.
Genome position (GRCh38, 1-based): chr12:56,450,873, T>C on the plus strand (A>G on the coding strand, the complement: MIP is on the minus strand). VCF-style: chr12-56450873-T-C. GRCh37 (hg19) VCF-style: chr12-56844657-T-C.
Identifiers: ClinVar variation 309877 (VCV000309877.5), dbSNP rs72478920, ClinGen allele CA10638150.
Genomic context (GRCh38, chr12:56,450,873, plus strand): 5'-GCCTCGTGTGAGGAGTAACTCCCTGCTTCTCTGTTCCCTCAGAAATCAAGAGCCACACAC[T>C]TGACTGGCAGCAGGGTAAAGGCCAGAAACTTAAGGTGTCGGTTACCCAGTACTCACCATA-3'

ClinVar aggregate classification (germline): Benign (1 of 4 stars; one submission).

Conditions:
Cataract 15 multiple types. Also called: CATARACT 15, LAMELLAR WITH SUTURAL OPACITIES. Identifiers: Orphanet 91492, MedGen C3809001, MONDO:0014110, OMIM 615274.

Allele frequency attached by ClinVar (database versions not stated): gnomAD exomes 0.00033; gnomAD 0.00520 and 0.00559; TOPMed 0.00586; 1000 Genomes Project 0.00659; 1000 Genomes Project 30x 0.00796.
gnomAD v4.1: 794 of 186,800 alleles (0.43%); highest among the groups gnomAD compares: African/African-American, 1.7%; 6 homozygotes.

Submission:

Illumina Laboratory Services, Illumina
Classification: Benign for Cataract 15 multiple types. Last evaluated: 2018-01-12. Review status: criteria provided, single submitter. Criteria: ICSL Variant Classification Criteria 13 December 2019. Collection method: clinical testing. Allele origin: germline.
Comment: This variant was observed in the ICSL laboratory as part of a predisposition screen in an ostensibly healthy population. It had not been previously curated by ICSL or reported in the Human Gene Mutation Database (HGMD: prior to June 1st, 2018), and was therefore a candidate for classification through an automated scoring system. Utilizing variant allele frequency, disease prevalence and penetrance estimates, and inheritance mode, an automated score was calculated to assess if this variant is too frequent to cause the disease. Based on the score and internal cut-off values, a variant classified as benign is not then subjected to further curation. The score for this variant resulted in a classification of benign for this disease.